The following is an entry in ClinVar:

ClinVar aggregate classification (germline): Conflicting classifications of pathogenicity. Review status: criteria provided, conflicting classifications (1 of 4 stars). 2 submissions from 2 submitters: Uncertain significance (1); Likely benign (1). Last evaluated 2023-06-26.

Conditions:
RYR1-related disorder. Also called: RYR1-related condition; RYR1-related disorders. Identifiers: MedGen CN239331.
Malignant hyperthermia, susceptibility to, 1 (MHS1). Also called: Malignant hyperthermia suceptibility 1; Anesthesia related hyperthermia; Malignant hyperpyrexia; Fulminating hyperpyrexia; Pharmacogenic myopathy; RYR1-Related Malignant Hyperthermia Susceptibility. Identifiers: Orphanet 423, MedGen C2930980, MONDO:0007783, OMIM 145600.

Submissions (2):

All of Us Research Program, National Institutes of Health
Classification: Uncertain significance for Malignant hyperthermia, susceptibility to, 1. Last evaluated: 2023-06-26. Review status: criteria provided, single submitter. Criteria: ACMG Guidelines, 2015. Collection method: clinical testing. Allele origin: germline. Inheritance: Autosomal dominant inheritance. Observed: 1 variant allele, 1 heterozygote.
Comment: This variant is located in the RYR1 protein. To our knowledge, functional studies have not been reported for this variant. This variant has not been reported in individuals affected with RYR1-related disorders in the literature. This variant has not been identified in the general population by the Genome Aggregation Database (gnomAD). The available evidence is insufficient to determine the role of this variant in disease conclusively. Therefore, this variant is classified as a Variant of Uncertain Significance.

This study involves interpretation of variants in research participants for the purpose of population health screening. Participant phenotype was not available at the time of variant classification. Additional details can be found in publication PMID: 35346344, PMCID: PMC8962531

Labcorp Genetics (formerly Invitae), Labcorp
Classification: Likely benign for RYR1-related disorder. Last evaluated: 2022-10-05. Review status: criteria provided, single submitter. Criteria: Invitae Variant Classification Sherloc (09022015). Collection method: clinical testing. Allele origin: germline.

NM_000540.3(RYR1):c.8808G>T (p.Ala2936=)

Gene: RYR1 (ryanodine receptor 1; plus strand). Cytogenetic location: 19q13.2.
Variant type: single nucleotide variant.
Coding change: c.8808G>T on transcript NM_000540.3 (MANE Select); coding-DNA position 8808, G replaced by T.
Protein change: p.Ala2936=; no amino-acid change (alanine 2936 retained).
Molecular consequence: synonymous variant.
Genome position (GRCh38, 1-based): chr19:38,506,944, G>T. VCF-style: chr19-38506944-G-T. GRCh37 (hg19) VCF-style: chr19-38997584-G-T.
Other names: c.8808G>T, p.Ala2936= (NM_001042723.2).
Identifiers: ClinVar variation 2042981 (VCV002042981.5), dbSNP rs747783902, ClinGen allele CA507245822.